The following is an entry in ClinVar:

NM_002693.3(POLG):c.3382C>A (p.Arg1128Ser)

Gene: POLG (DNA polymerase gamma, catalytic subunit; minus strand). Cytogenetic location: 15q26.1.
Variant type: single nucleotide variant.
Coding change: c.3382C>A on transcript NM_002693.3 (MANE Select); coding-DNA position 3382, C replaced by A.
Protein change: p.Arg1128Ser; replaces arginine 1128 with serine.
Molecular consequence: missense variant.
Genome position (GRCh38, 1-based): chr15:89,318,641, G>T on the plus strand (C>A on the coding strand, the complement: POLG is on the minus strand). VCF-style: chr15-89318641-G-T. GRCh37 (hg19) VCF-style: chr15-89861872-G-T.
Other names: c.3382C>A, p.Arg1128Ser (NM_001126131.2); short protein forms R1128S.
Identifiers: ClinVar variation 4689152 (VCV004689152.1).

ClinVar aggregate classification (germline): Uncertain significance (1 of 4 stars; one submission).

Submission:

Women's Health and Genetics/Laboratory Corporation of America, LabCorp
Classification: Uncertain significance. Last evaluated: 2026-01-28. Review status: criteria provided, single submitter. Criteria: LabCorp Variant Classification Summary - May 2015. Collection method: clinical testing. Allele origin: germline.
Comment: Variant summary: POLG c.3382C>A (p.Arg1128Ser) results in a non-conservative amino acid change in the encoded protein sequence. Algorithms developed to predict the effect of missense changes on protein structure and function all suggest that this variant is likely to be disruptive. The variant was absent in 251452 control chromosomes. The available data on variant occurrences in the general population are insufficient to allow any conclusion about variant significance. To our knowledge, no occurrence of c.3382C>A in individuals affected with POLG-related conditions and no experimental evidence demonstrating its impact on protein function have been reported. No submitters have cited clinical-significance assessments for this variant to ClinVar. Based on the evidence outlined above, the variant was classified as uncertain significance.